The following is an entry in ClinVar:

ClinVar aggregate classification (germline): Uncertain significance (1 of 4 stars; one submission).

Allele frequency attached by ClinVar (database versions not stated): gnomAD exomes below 0.00001; ExAC 0.00001; gnomAD 0.00001.
gnomAD v4.1: 13 of 1,606,556 alleles (0.00081%); highest among the groups gnomAD compares: Non-Finnish European, 0.0011%; no homozygotes.

Submission:

Labcorp Genetics (formerly Invitae), Labcorp
Classification: Uncertain significance. Last evaluated: 2021-09-01. Review status: criteria provided, single submitter. Criteria: Invitae Variant Classification Sherloc (09022015). Collection method: clinical testing. Allele origin: germline.
Comment: This sequence change replaces aspartic acid with tyrosine at codon 71 of the IFNAR1 protein (p.Asp71Tyr). The aspartic acid residue is weakly conserved and there is a large physicochemical difference between aspartic acid and tyrosine. This variant is present in population databases (rs768896911, ExAC 0.002%). This variant has not been reported in the literature in individuals affected with IFNAR1-related conditions. Algorithms developed to predict the effect of missense changes on protein structure and function are either unavailable or do not agree on the potential impact of this missense change (SIFT: "Tolerated"; PolyPhen-2: "Possibly Damaging"; Align-GVGD: "Class C0"). In summary, the available evidence is currently insufficient to determine the role of this variant in disease. Therefore, it has been classified as a Variant of Uncertain Significance.

NM_000629.3(IFNAR1):c.211G>T (p.Asp71Tyr)

Gene: IFNAR1 (interferon alpha and beta receptor subunit 1; plus strand). Cytogenetic location: 21q22.11.
Variant type: single nucleotide variant.
Coding change: c.211G>T on transcript NM_000629.3 (MANE Select); coding-DNA position 211, G replaced by T.
Protein change: p.Asp71Tyr; replaces aspartic acid 71 with tyrosine.
Molecular consequence: missense variant. On other transcripts: 5 prime UTR variant (1), intron variant (1).
Genome position (GRCh38, 1-based): chr21:33,341,009, G>T. VCF-style: chr21-33341009-G-T. GRCh37 (hg19) VCF-style: chr21-34713315-G-T.
Other names: c.211G>T, p.Asp71Tyr (NM_001384498.1, NM_001384499.1, NM_001384501.1 and 1 more transcripts); c.-576G>T (NM_001384500.1); c.4G>T, p.Asp2Tyr (NM_001384504.1); c.-183-69G>T (NM_001384502.1); short protein forms D2Y, D71Y.
Identifiers: ClinVar variation 1410722 (VCV001410722.5), dbSNP rs768896911, ClinGen allele CA10006429.
Genomic context (GRCh38, chr21:33,341,009, plus strand): 5'-TTACATTTATACATTTGCTCACTCATTCATTTGTTTTTTTTACTTTAAAGAACTGGGATG[G>T]ATAATTGGATAAAATTGTCTGGGTGTCAGAATATTACTAGTACCAAATGCAACTTTTCTT-3'
Protein context (NP_000620.2, residues 61-81): FSFDYQKTGM[Asp71Tyr]NWIKLSGCQN